The following is an entry in ClinVar:

ClinVar aggregate classification (germline): Uncertain significance (1 of 4 stars; one submission).

Submission:

GeneDx
Classification: Uncertain significance. Last evaluated: 2019-06-11. Review status: criteria provided, single submitter. Criteria: GeneDx Variant Classification Process June 2021. Collection method: clinical testing. Allele origin: germline. Affected: yes.
Comment: Not observed in large population cohorts (Lek et al., 2016); In silico analysis, which includes protein predictors and evolutionary conservation, supports a deleterious effect; Has not been previously published as pathogenic or benign to our knowledge

NM_005334.3(HCFC1):c.791G>C (p.Gly264Ala)

Gene: HCFC1 (host cell factor C1; minus strand). Cytogenetic location: Xq28.
Variant type: single nucleotide variant.
Coding change: c.791G>C on transcript NM_005334.3 (MANE Select); coding-DNA position 791, G replaced by C.
Protein change: p.Gly264Ala; replaces glycine 264 with alanine.
Molecular consequence: missense variant.
Genome position (GRCh38, 1-based): chrX:153,962,228, C>G on the plus strand (G>C on the coding strand, the complement: HCFC1 is on the minus strand). VCF-style: chrX-153962228-C-G. GRCh37 (hg19) VCF-style: chrX-153227679-C-G.
Other names: short protein forms G264A.
Identifiers: ClinVar variation 1306066 (VCV001306066.2), dbSNP rs2148594367, ClinGen allele CA415146108.